The following is an entry in ClinVar:

ClinVar aggregate classification (germline): Uncertain significance (1 of 4 stars; one submission).

Submission:

CeGaT Center for Human Genetics Tuebingen
Classification: Uncertain significance. Last evaluated: 2025-08-01. Review status: criteria provided, single submitter. Criteria: CeGaT Center For Human Genetics Tuebingen Variant Classification Criteria Version 2. Collection method: clinical testing. Allele origin: germline. Affected: yes. Observed: 1 variant allele.
Comment: ZNF469: PM2, BP4

NM_001367624.2(ZNF469):c.987G>C (p.Gln329His)

Gene: ZNF469 (zinc finger protein 469; plus strand). Cytogenetic location: 16q24.2.
Variant type: single nucleotide variant.
Coding change: c.987G>C on transcript NM_001367624.2 (MANE Select); coding-DNA position 987, G replaced by C.
Protein change: p.Gln329His; replaces glutamine 329 with histidine.
Molecular consequence: missense variant.
Genome position (GRCh38, 1-based): chr16:88,428,457, G>C. VCF-style: chr16-88428457-G-C. GRCh37 (hg19) VCF-style: chr16-88494865-G-C.
Other names: short protein forms Q329H.
Identifiers: ClinVar variation 4085950 (VCV004085950.8).
Genomic context (GRCh38, chr16:88,428,457, plus strand): 5'-CCAGGGAGCGTGGCCGGAGGAGGCCGTGGGCACGGGCCCTGCCTACCCGCTGCCCACCCA[G>C]CCTGCGCCCTCACCCCTGCCCTGCTACCAGGGCCAGCCAGGTGGCCTGAACCGCCACAGC-3'
Protein context (NP_001354553.1, residues 319-339): GTGPAYPLPT[Gln329His]PAPSPLPCYQ